The following is an entry in ClinVar:

NM_015047.3(EMC1):c.2649C>G (p.Pro883=)

Genes: EMC1 (ER membrane protein complex subunit 1; minus strand), EMC1-AS1 (EMC1 antisense RNA 1; plus strand). Cytogenetic location: 1p36.13.
Variant type: single nucleotide variant.
Coding change: c.2649C>G on transcript NM_015047.3 (MANE Select); coding-DNA position 2649, C replaced by G.
Protein change: p.Pro883=; no amino-acid change (proline 883 retained).
Molecular consequence: synonymous variant.
Genome position (GRCh38, 1-based): chr1:19,220,787, G>C on the plus strand (C>G on the coding strand, the complement: EMC1 is on the minus strand). VCF-style: chr1-19220787-G-C. GRCh37 (hg19) VCF-style: chr1-19547281-G-C.
Other names: c.2646C>G, p.Pro882= (NM_001271427.2, NM_001271428.2); c.2583C>G, p.Pro861= (NM_001271429.2); c.2658C>G, p.Pro886= (NM_001375820.1); c.2655C>G, p.Pro885= (NM_001375821.1); c.2649C>G (NM_015047.2).
Identifiers: ClinVar variation 1935175 (VCV001935175.7), dbSNP rs373222910, ClinGen allele CA18808964.
Genomic context (GRCh38, chr1:19,220,787, plus strand): 5'-AGGTCAGAGCCTTCAGCACTGCCCATGAGGGTCTCACCTGCTTTGTTCTGTTGGGATCTC[G>C]GGGCGGCGGGGATCCAGCAAAGCCTTAGGAAGGGAAAGAATTGCTCCAGAAGGTAGTCCA-3'
Protein context (NP_055862.1, residues 873-893): LPKALLDPRR[Pro883=]EIPTEQSREE

ClinVar aggregate classification (germline): Likely benign. Review status: criteria provided, single submitter (1 of 4 stars). 2 submissions from 2 submitters: Likely benign (1). 1 of the submissions does not count toward it. Last evaluated 2024-12-16.

Conditions:
EMC1-related disorder. Also called: EMC1-related condition.

gnomAD v4.1: 25 of 1,613,534 alleles (0.0015%); highest among the groups gnomAD compares: Non-Finnish European, 0.0021%; no homozygotes.

Submissions (2):

Labcorp Genetics (formerly Invitae), Labcorp
Classification: Likely benign. Last evaluated: 2024-12-16. Review status: criteria provided, single submitter. Criteria: Invitae Variant Classification Sherloc (09022015). Collection method: clinical testing. Allele origin: germline.

PreventionGenetics, part of Exact Sciences
Classification: Likely benign for EMC1-related condition. Last evaluated: 2020-08-25. Review status: no assertion criteria provided. Collection method: clinical testing. Allele origin: germline. Not counted in ClinVar's aggregate classification.
Comment: This variant is classified as likely benign based on ACMG/AMP sequence variant interpretation guidelines (Richards et al. 2015 PMID: 25741868, with internal and published modifications).